The following is an entry in ClinVar:

ClinVar aggregate classification (germline): Uncertain significance (1 of 4 stars; one submission).

Conditions:
Achondrogenesis, type IA (ACG1A). Identifiers: Orphanet 932, Orphanet 93299, MedGen C0265273, MONDO:0008701, OMIM 200600.

Allele frequency attached by ClinVar (database versions not stated): ExAC 0.00001; gnomAD 0.00007; TOPMed 0.00011.
gnomAD v4.1: 22 of 1,612,582 alleles (0.0014%); highest among the groups gnomAD compares: African/African-American, 0.023%; no homozygotes.

Submission:

Labcorp Genetics (formerly Invitae), Labcorp
Classification: Uncertain significance for Achondrogenesis, type IA. Last evaluated: 2022-07-16. Review status: criteria provided, single submitter. Criteria: Invitae Variant Classification Sherloc (09022015). Collection method: clinical testing. Allele origin: germline.
Comment: This sequence change replaces glutamine, which is neutral and polar, with proline, which is neutral and non-polar, at codon 14 of the TRIP11 protein (p.Gln14Pro). This variant is present in population databases (rs760522108, gnomAD 0.03%). This variant has not been reported in the literature in individuals affected with TRIP11-related conditions. Experimental studies and prediction algorithms are not available or were not evaluated, and the functional significance of this variant is currently unknown. In summary, the available evidence is currently insufficient to determine the role of this variant in disease. Therefore, it has been classified as a Variant of Uncertain Significance.

NM_004239.4(TRIP11):c.41A>C (p.Gln14Pro)

Gene: TRIP11 (thyroid hormone receptor interactor 11; minus strand). Cytogenetic location: 14q32.12.
Variant type: single nucleotide variant.
Coding change: c.41A>C on transcript NM_004239.4 (MANE Select); coding-DNA position 41, A replaced by C.
Protein change: p.Gln14Pro; replaces glutamine 14 with proline.
Molecular consequence: missense variant.
Genome position (GRCh38, 1-based): chr14:92,039,645, T>G on the plus strand (A>C on the coding strand, the complement: TRIP11 is on the minus strand). VCF-style: chr14-92039645-T-G. GRCh37 (hg19) VCF-style: chr14-92505989-T-G.
Other names: c.41A>C, p.Gln14Pro (NM_001321851.1); short protein forms Q14P.
Identifiers: ClinVar variation 2059105 (VCV002059105.3), dbSNP rs760522108, ClinGen allele CA7314320.